The following is an entry in ClinVar:

ClinVar aggregate classification (germline): Pathogenic/Likely pathogenic. Review status: criteria provided, multiple submitters, no conflicts (2 of 4 stars). 3 submissions from 3 submitters: Pathogenic (1); Likely pathogenic (1). 1 of the submissions does not count toward it. Last evaluated 2025-05-27.

Conditions:
Ornithine aminotransferase deficiency (GACR). Also called: HYPERORNITHINEMIA WITH GYRATE ATROPHY OF CHOROID AND RETINA; OAT DEFICIENCY; Ornithine ketoacid aminotransferase deficiency; Gyrate atrophy; Gyrate atrophy of choroid and retina; Girate atrophy of the retina. Identifiers: Orphanet 414, MedGen C0018425, MONDO:0009796, OMIM 258870.

Submissions (3):

Natera, Inc.
Classification: Likely pathogenic for Gyrate atrophy. Last evaluated: 2025-05-27. Review status: criteria provided, single submitter. Criteria: Natera Variant Classification Schema (03/2026). Collection method: clinical testing. Allele origin: germline.
Comment: The c.900+1G>A variant in OAT is a canonical splice donor site variant predicted to affect pre-mRNA splicing, which may result in an abnormal transcript and altered protein product. This variant is expected to result in nonsense mediated decay, truncation, or a dysfunctional protein product. This variant is rare in the general population with a frequency below the threshold expected for the associated phenotype(s). Given the available evidence, this variant is classified as Likely Pathogenic.

Labcorp Genetics (formerly Invitae), Labcorp
Classification: Pathogenic for Ornithine aminotransferase deficiency. Last evaluated: 2020-03-08. Review status: criteria provided, single submitter. Criteria: Invitae Variant Classification Sherloc (09022015). Collection method: clinical testing. Allele origin: germline.
Comment: For these reasons, this variant has been classified as Pathogenic. Donor and acceptor splice site variants typically lead to a loss of protein function (PMID: 16199547), and loss-of-function variants in OAT are known to be pathogenic (PMID: 1737786, 23076989). Experimental studies have shown that this variant disrupts mRNA splicing (PMID: 28388263). This variant has been observed in individual(s) with gyrate atrophy (PMID: 28388263). In at least one individual the data is consistent with the variant being in trans (on the opposite chromosome) from a pathogenic variant. This variant is not present in population databases (ExAC no frequency). This sequence change affects a donor splice site in intron 7 of the OAT gene. It is expected to disrupt RNA splicing and likely results in an absent or disrupted protein product.

Sharon lab, Hadassah-Hebrew University Medical Center
Classification: Pathogenic for Gyrate Atrophy. Last evaluated: 2019-06-23. Review status: no assertion criteria provided. Collection method: research. Allele origin: inherited. Affected: yes. Not counted in ClinVar's aggregate classification.

Literature cited by the submitters: PubMed 16199547 (cited by Labcorp Genetics (formerly Invitae), Labcorp); PubMed 1737786 (cited by Labcorp Genetics (formerly Invitae), Labcorp); PubMed 23076989 (cited by Labcorp Genetics (formerly Invitae), Labcorp); PubMed 28388263 (cited by Labcorp Genetics (formerly Invitae), Labcorp).

NM_000274.4(OAT):c.900+1G>A

Gene: OAT (ornithine aminotransferase; minus strand). Cytogenetic location: 10q26.13.
Variant type: single nucleotide variant.
Coding change: c.900+1G>A on transcript NM_000274.4 (MANE Select); the canonical splice donor site of the intron after coding-DNA position 900, G replaced by A.
Molecular consequence: splice donor variant.
Genome position (GRCh38, 1-based): chr10:124,402,926, C>T on the plus strand (G>A on the coding strand, the complement: OAT is on the minus strand). VCF-style: chr10-124402926-C-T. GRCh37 (hg19) VCF-style: chr10-126091495-C-T.
Other names: c.900+1G>A (NM_001322965.2, NM_001322969.2, NM_001322966.2 and 3 more transcripts); c.486+1G>A (NM_001171814.2); c.300+1G>A (NM_001322974.2); c.579+1G>A (NM_001322971.2).
Identifiers: ClinVar variation 812363 (VCV000812363.10), dbSNP rs1589700702, ClinGen allele CA378635038.